The following is an entry in ClinVar:

NM_016335.6(PRODH):c.803C>T (p.Ala268Val)

Gene: PRODH (proline dehydrogenase 1; minus strand). Cytogenetic location: 22q11.21.
Variant type: single nucleotide variant.
Coding change: c.803C>T on transcript NM_016335.6 (MANE Select); coding-DNA position 803, C replaced by T.
Protein change: p.Ala268Val; replaces alanine 268 with valine.
Molecular consequence: missense variant.
Genome position (GRCh38, 1-based): chr22:18,922,863, G>A on the plus strand (C>T on the coding strand, the complement: PRODH is on the minus strand). VCF-style: chr22-18922863-G-A. GRCh37 (hg19) VCF-style: chr22-18910376-G-A.
Other names: c.479C>T, p.Ala160Val (NM_001195226.2); short protein forms A268V, A160V.
Identifiers: ClinVar variation 945607 (VCV000945607.10), dbSNP rs375358521, ClinGen allele CA10095242.

ClinVar aggregate classification (germline): Uncertain significance. Review status: criteria provided, multiple submitters, no conflicts (2 of 4 stars). 2 submissions from 2 submitters: Uncertain significance (2). Last evaluated 2022-07-12.

Conditions:
Proline dehydrogenase deficiency (HYRPRO1). Also called: PROLINE OXIDASE DEFICIENCY; Hyperprolinemia type 1. Identifiers: Orphanet 419, MedGen C0268529, MONDO:0009400, OMIM 239500.
Schizophrenia 4 (SCZD4). Also called: SCHIZOPHRENIA SUSCEPTIBILITY LOCUS, CHROMOSOME 22q11-RELATED; SCHIZOPHRENIA, SUSCEPTIBILITY TO, 4. Identifiers: MedGen C1833247, MONDO:0010943, OMIM 600850.

Allele frequency attached by ClinVar (database versions not stated): ESP Exome Variant Server 0.00008.

Submissions (2):

Labcorp Genetics (formerly Invitae), Labcorp
Classification: Uncertain significance for Proline dehydrogenase deficiency. Last evaluated: 2022-07-12. Review status: criteria provided, single submitter. Criteria: Invitae Variant Classification Sherloc (09022015). Collection method: clinical testing. Allele origin: germline.
Comment: Algorithms developed to predict the effect of missense changes on protein structure and function (SIFT, PolyPhen-2, Align-GVGD) all suggest that this variant is likely to be tolerated. In summary, the available evidence is currently insufficient to determine the role of this variant in disease. Therefore, it has been classified as a Variant of Uncertain Significance. Algorithms developed to predict the effect of sequence changes on RNA splicing suggest that this variant may create or strengthen a splice site. ClinVar contains an entry for this variant (Variation ID: 945607). This variant has not been reported in the literature in individuals affected with PRODH-related conditions. This variant is present in population databases (rs375358521, gnomAD 0.01%). This sequence change replaces alanine, which is neutral and non-polar, with valine, which is neutral and non-polar, at codon 268 of the PRODH protein (p.Ala268Val).

Fulgent Genetics
Classification: Uncertain significance for Proline dehydrogenase deficiency; Schizophrenia 4. Last evaluated: 2021-11-23. Review status: criteria provided, single submitter. Criteria: ACMG Guidelines, 2015. Collection method: clinical testing. Allele origin: unknown.